The following is an entry in ClinVar:

NM_014159.7(SETD2):c.2813A>G (p.Asp938Gly)

Gene: SETD2 (SET domain containing 2, histone lysine methyltransferase; minus strand). Cytogenetic location: 3p21.31.
Variant type: single nucleotide variant.
Coding change: c.2813A>G on transcript NM_014159.7 (MANE Select); coding-DNA position 2813, A replaced by G.
Protein change: p.Asp938Gly; replaces aspartic acid 938 with glycine.
Molecular consequence: missense variant. On other transcripts: non-coding transcript variant (1).
Genome position (GRCh38, 1-based): chr3:47,121,823, T>C on the plus strand (A>G on the coding strand, the complement: SETD2 is on the minus strand). VCF-style: chr3-47121823-T-C. GRCh37 (hg19) VCF-style: chr3-47163313-T-C.
Other names: c.2681A>G, p.Asp894Gly (NM_001349370.3); short protein forms D894G, D938G.
Identifiers: ClinVar variation 942892 (VCV000942892.6), dbSNP rs755037858, ClinGen allele CA2363482.
Genomic context (GRCh38, chr3:47,121,823, plus strand): 5'-CATTTCCCAGATAACCCATTATTACGCCTGTTCTCCCTGGAAGCAAATCCCTTTCCTGAA[T>C]CAGGAAGGTCACTACCTACTTCTACTATTGTTTCTTTCCCTGCATGCTTTAAAAACTCTG-3'
Protein context (NP_054878.5, residues 928-948): TIVEVGSDLP[Asp938Gly]SGKGFASREN

ClinVar aggregate classification (germline): Uncertain significance (1 of 4 stars; one submission).

Conditions:
Luscan-Lumish syndrome. Identifiers: Orphanet 597738, MedGen C4085873, MONDO:0014791, OMIM 616831.

Allele frequency attached by ClinVar (database versions not stated): gnomAD exomes 0.00001; TOPMed 0.00001; ExAC 0.00002.
gnomAD v4.1: 5 of 1,614,120 alleles (0.00031%); highest among the groups gnomAD compares: Admixed American, 0.005%; no homozygotes.

Submission:

Labcorp Genetics (formerly Invitae), Labcorp
Classification: Uncertain significance for Luscan-Lumish syndrome. Last evaluated: 2019-05-31. Review status: criteria provided, single submitter. Criteria: Invitae Variant Classification Sherloc (09022015). Collection method: clinical testing. Allele origin: germline.
Comment: In summary, the available evidence is currently insufficient to determine the role of this variant in disease. Therefore, it has been classified as a Variant of Uncertain Significance. Algorithms developed to predict the effect of missense changes on protein structure and function (SIFT, PolyPhen-2, Align-GVGD) all suggest that this variant is likely to be tolerated, but these predictions have not been confirmed by published functional studies and their clinical significance is uncertain. This variant has not been reported in the literature in individuals with SETD2-related conditions. This variant is present in population databases (rs755037858, ExAC 0.02%). This sequence change replaces aspartic acid with glycine at codon 938 of the SETD2 protein (p.Asp938Gly). The aspartic acid residue is moderately conserved and there is a moderate physicochemical difference between aspartic acid and glycine.